The following is an entry in ClinVar:

NM_000260.4(MYO7A):c.1186G>C (p.Asp396His)

Gene: MYO7A (myosin VIIA; plus strand). Cytogenetic location: 11q13.5.
Variant type: single nucleotide variant.
Coding change: c.1186G>C on transcript NM_000260.4 (MANE Select); coding-DNA position 1186, G replaced by C.
Protein change: p.Asp396His; replaces aspartic acid 396 with histidine.
Molecular consequence: missense variant.
Genome position (GRCh38, 1-based): chr11:77,160,268, G>C. VCF-style: chr11-77160268-G-C. GRCh37 (hg19) VCF-style: chr11-76871314-G-C.
Other names: c.1186G>C, p.Asp396His (NM_001127180.2); c.1153G>C, p.Asp385His (NM_001369365.1); short protein forms D385H, D396H.
Identifiers: ClinVar variation 1305935 (VCV001305935.3), dbSNP rs375867186, ClinGen allele CA381934636.

ClinVar aggregate classification (germline): Uncertain significance (1 of 4 stars; one submission).

Allele frequency attached by ClinVar (database versions not stated): gnomAD 0.00001.
gnomAD v4.1: 1 of 1,565,934 alleles (0.000064%); highest among the groups gnomAD compares: Non-Finnish European, 0.000086%; no homozygotes.

Submission:

GeneDx
Classification: Uncertain significance. Last evaluated: 2025-05-20. Review status: criteria provided, single submitter. Criteria: GeneDx Variant Classification Process June 2021. Collection method: clinical testing. Allele origin: germline. Affected: yes.
Comment: In silico analysis supports that this missense variant has a deleterious effect on protein structure/function; Has not been previously published as pathogenic or benign to our knowledge; Not observed at significant frequency in large population cohorts (gnomAD)